The following is an entry in ClinVar:

ClinVar aggregate classification (germline): Conflicting classifications of pathogenicity. Review status: criteria provided, conflicting classifications (1 of 4 stars). 2 submissions from 2 submitters: Uncertain significance (1); Likely benign (1). Last evaluated 2023-03-20.

Conditions:
Charcot-Marie-Tooth disease type 4. Also called: Charcot-Marie-Tooth, Type 4; Charcot-Marie-Tooth disease, type IV. Identifiers: Orphanet 64749, MedGen C4082197, MONDO:0018995.
Inborn genetic diseases. Identifiers: MedGen C0950123, MeSH D030342.

Submissions (2):

Ambry Genetics
Classification: Likely benign for Inborn genetic diseases. Last evaluated: 2023-03-20. Review status: criteria provided, single submitter. Criteria: Ambry Variant Classification Scheme 2023. Collection method: clinical testing. Allele origin: germline.

Labcorp Genetics (formerly Invitae), Labcorp
Classification: Uncertain significance for Charcot-Marie-Tooth disease type 4. Last evaluated: 2022-02-22. Review status: criteria provided, single submitter. Criteria: Invitae Variant Classification Sherloc (09022015). Collection method: clinical testing. Allele origin: germline.
Comment: In summary, the available evidence is currently insufficient to determine the role of this variant in disease. Therefore, it has been classified as a Variant of Uncertain Significance. Experimental studies and prediction algorithms are not available or were not evaluated, and the functional significance of this variant is currently unknown. This variant has not been reported in the literature in individuals affected with PRX-related conditions. This variant is present in population databases (no rsID available, gnomAD 0.01%). This variant, c.4074_4079dup, results in the insertion of 2 amino acid(s) of the PRX protein (p.Glu1360_Glu1361dup), but otherwise preserves the integrity of the reading frame.

NM_181882.3(PRX):c.4059GGA[9] (p.Glu1360_Glu1361dup)

Gene: PRX (periaxin; minus strand). Cytogenetic location: 19q13.2.
Variant type: Microsatellite.
Coding change: c.4059GGA[9] on transcript NM_181882.3 (MANE Select); nine copies in a row of the 3-base unit GGA starting at c.4059; the reference has seven copies in a row; two copies, 6 bases duplicated.
Protein change: p.Glu1360_Glu1361dup.
Molecular consequence: inframe insertion. On other transcripts: 3 prime UTR variant (1).
Genome position (GRCh38, 1-based): chr19:40,394,273-40,394,278, TCCTCC duplicated on the plus strand (GGAGGA on the coding strand, the reverse complement: PRX is on the minus strand); duplicating any 6 consecutive bases within chr19:40,394,273-40,394,295 gives the same sequence; the position shown is the placement nearest the transcript's 3' end. VCF-style (leftmost placement, unchanged base first): chr19-40394272-T-TTCCTCC. GRCh37 (hg19) VCF-style: chr19-40900179-T-TTCCTCC.
Other names: c.*4264GGA[9] (NM_020956.2); c.4074_4079dupGGAGGA (NM_181882.2).
Identifiers: ClinVar variation 1052678 (VCV001052678.8), dbSNP rs139624657, ClinGen allele CA633466273.